The following is an entry in ClinVar:

NM_000059.4(BRCA2):c.316+16T>C

Gene: BRCA2 (BRCA2 DNA repair associated; plus strand). Cytogenetic location: 13q13.1.
Variant type: single nucleotide variant.
Coding change: c.316+16T>C on transcript NM_000059.4 (MANE Select); 16 bases into the intron after coding-DNA position 316, T replaced by C.
Molecular consequence: intron variant.
Genome position (GRCh38, 1-based): chr13:32,319,341, T>C. VCF-style: chr13-32319341-T-C. GRCh37 (hg19) VCF-style: chr13-32893478-T-C.
Identifiers: ClinVar variation 379712 (VCV000379712.13), dbSNP rs1057520706, ClinGen allele CA16606767.

ClinVar aggregate classification (germline): Likely benign. Review status: criteria provided, multiple submitters, no conflicts (2 of 4 stars). 3 submissions from 3 submitters: Likely benign (3). Last evaluated 2025-02-03.

Conditions:
Hereditary breast ovarian cancer syndrome. Also called: Hereditary breast and/or ovarian cancer syndrome; Hereditary breast and ovarian cancer syndrome; Hereditary breast and ovarian cancer syndrome (HBOC); Hereditary breast and ovarian cancer; BRCA1- and BRCA2-Associated Hereditary Breast and Ovarian Cancer; Breast and ovarian cancer. Identifiers: Orphanet 145, MedGen C0677776, MeSH D061325, MONDO:0003582. Disease mechanism: loss of function.
Hereditary cancer-predisposing syndrome. Also called: Tumor predisposition; Hereditary neoplastic syndrome; Neoplastic Syndromes, Hereditary; Hereditary Cancer Syndrome. Identifiers: Orphanet 140162, MedGen C0027672, MeSH D009386, MONDO:0015356.

Allele frequency attached by ClinVar (database versions not stated): gnomAD exomes below 0.00001; TOPMed below 0.00001; gnomAD 0.00001.
gnomAD v4.1: 2 of 1,602,358 alleles (0.00012%); highest among the groups gnomAD compares: Non-Finnish European, 0.00017%; no homozygotes.

Submissions (3):

Labcorp Genetics (formerly Invitae), Labcorp
Classification: Likely benign for Hereditary breast ovarian cancer syndrome. Last evaluated: 2025-02-03. Review status: criteria provided, single submitter. Criteria: Invitae Variant Classification Sherloc (09022015). Collection method: clinical testing. Allele origin: germline.

Color Diagnostics, LLC DBA Color Health
Classification: Likely benign for Hereditary cancer-predisposing syndrome. Last evaluated: 2018-08-29. Review status: criteria provided, single submitter. Criteria: ACMG Guidelines, 2015. Collection method: clinical testing. Allele origin: germline.

GeneDx
Classification: Likely benign. Last evaluated: 2016-07-08. Review status: criteria provided, single submitter. Criteria: GeneDx Variant Classification (06012015). Collection method: clinical testing. Allele origin: germline. Affected: yes.
Comment: This variant is considered likely benign or benign based on one or more of the following criteria: it is a conservative change, it occurs at a poorly conserved position in the protein, it is predicted to be benign by multiple in silico algorithms, and/or has population frequency not consistent with disease.